The following is an entry in ClinVar:

ClinVar aggregate classification (germline): Likely benign (0 of 4 stars; one submission).

Conditions:
ITPR2-related disorder. Also called: ITPR2-related condition.

Allele frequency attached by ClinVar (database versions not stated): TOPMed 0.00001; gnomAD 0.00005.
gnomAD v4.1: 40 of 1,605,962 alleles (0.0025%); highest among the groups gnomAD compares: Middle Eastern, 0.35%; 1 homozygote.

Submission:

PreventionGenetics, part of Exact Sciences
Classification: Likely benign for ITPR2-related condition. Last evaluated: 2019-07-11. Review status: no assertion criteria provided. Collection method: clinical testing. Allele origin: germline.
Comment: This variant is classified as likely benign based on ACMG/AMP sequence variant interpretation guidelines (Richards et al. 2015 PMID: 25741868, with internal and published modifications).

NM_002223.4(ITPR2):c.2445A>G (p.Glu815=)

Gene: ITPR2 (inositol 1,4,5-trisphosphate receptor type 2; minus strand). Cytogenetic location: 12p11.23.
Variant type: single nucleotide variant.
Coding change: c.2445A>G on transcript NM_002223.4 (MANE Select); coding-DNA position 2445, A replaced by G.
Protein change: p.Glu815=; no amino-acid change (glutamic acid 815 retained).
Molecular consequence: synonymous variant.
Genome position (GRCh38, 1-based): chr12:26,655,852, T>C on the plus strand (A>G on the coding strand, the complement: ITPR2 is on the minus strand). VCF-style: chr12-26655852-T-C. GRCh37 (hg19) VCF-style: chr12-26808785-T-C.
Other names: c.2442A>G, p.Glu814= (NM_001414174.1); c.2445A>G, p.Glu815= (NM_001414175.1).
Identifiers: ClinVar variation 3050840 (VCV003050840.2), dbSNP rs765580395, ClinGen allele CA6489584.